The following is an entry in ClinVar:

NM_133497.4(KCNV2):c.624C>G (p.Asp208Glu)

Gene: KCNV2 (potassium voltage-gated channel modifier subfamily V member 2; plus strand). Cytogenetic location: 9p24.2.
Variant type: single nucleotide variant.
Coding change: c.624C>G on transcript NM_133497.4 (MANE Select); coding-DNA position 624, C replaced by G.
Protein change: p.Asp208Glu; replaces aspartic acid 208 with glutamic acid.
Molecular consequence: missense variant.
Genome position (GRCh38, 1-based): chr9:2,718,363, C>G. VCF-style: chr9-2718363-C-G. GRCh37 (hg19) VCF-style: chr9-2718363-C-G.
Other names: c.624C>G (NM_133497.3); short protein forms D208E.
Identifiers: ClinVar variation 1403801 (VCV001403801.9), dbSNP rs907617598, ClinGen allele CA187972321.
Genomic context (GRCh38, chr9:2,718,363, plus strand): 5'-GGGCGTGCGGCTCAAGTACACGCCACGCTGCTGCCGCATCTGCTTCGAGGAGCGGCGCGA[C>G]GAGCTGAGCGAACGGCTCAAGATCCAGCACGAGCTGCGCGCGCAGGCGCAGGTCGAGGAG-3'
Protein context (NP_598004.1, residues 198-218): CCRICFEERR[Asp208Glu]ELSERLKIQH

ClinVar aggregate classification (germline): Uncertain significance. Review status: criteria provided, multiple submitters, no conflicts (2 of 4 stars). 4 submissions from 4 submitters: Uncertain significance (3). 1 of the submissions does not count toward it. Last evaluated 2024-11-25.

Conditions:
Retinal dystrophy. Also called: Inherited retinal dystrophy. Identifiers: Orphanet 71862, MedGen C0854723, MeSH D058499, MONDO:0019118, HP:0000556.
Inborn genetic diseases. Identifiers: MedGen C0950123, MeSH D030342.

Allele frequency attached by ClinVar (database versions not stated): TOPMed 0.00002.
gnomAD v4.1: 11 of 1,598,500 alleles (0.00069%); highest among the groups gnomAD compares: Admixed American, 0.0052%; no homozygotes.

Submissions (4):

Blueprint Genetics
Classification: Uncertain significance. Last evaluated: 2024-11-25. Review status: criteria provided, single submitter. Criteria: ACMG Guidelines, 2015. Collection method: clinical testing. Allele origin: germline.

Ambry Genetics
Classification: Uncertain significance for Inborn genetic diseases. Last evaluated: 2024-09-08. Review status: criteria provided, single submitter. Criteria: Ambry Variant Classification Scheme 2023. Collection method: clinical testing. Allele origin: germline.

Labcorp Genetics (formerly Invitae), Labcorp
Classification: Uncertain significance. Last evaluated: 2024-04-07. Review status: criteria provided, single submitter. Criteria: Invitae Variant Classification Sherloc (09022015). Collection method: clinical testing. Allele origin: germline.
Comment: This sequence change replaces aspartic acid, which is acidic and polar, with glutamic acid, which is acidic and polar, at codon 208 of the KCNV2 protein (p.Asp208Glu). This variant is not present in population databases (gnomAD no frequency). This variant has not been reported in the literature in individuals affected with KCNV2-related conditions. ClinVar contains an entry for this variant (Variation ID: 1403801). Advanced modeling of protein sequence and biophysical properties (such as structural, functional, and spatial information, amino acid conservation, physicochemical variation, residue mobility, and thermodynamic stability) performed at Invitae indicates that this missense variant is not expected to disrupt KCNV2 protein function with a negative predictive value of 80%. In summary, the available evidence is currently insufficient to determine the role of this variant in disease. Therefore, it has been classified as a Variant of Uncertain Significance.

Institute of Human Genetics, Univ. Regensburg, Univ. Regensburg
Classification: Uncertain significance for Retinal dystrophy. Last evaluated: 2022-01-01. Review status: no assertion criteria provided. Criteria: ACMG Guidelines, 2015. Collection method: clinical testing. Allele origin: germline. Affected: yes. Not counted in ClinVar's aggregate classification.